The following is an entry in ClinVar:

ClinVar aggregate classification (germline): Uncertain significance (1 of 4 stars; one submission).

gnomAD v4.1: 4 of 1,614,094 alleles (0.00025%); highest among the groups gnomAD compares: Admixed American, 0.0017%; no homozygotes.

Submission:

Labcorp Genetics (formerly Invitae), Labcorp
Classification: Uncertain significance. Last evaluated: 2025-01-20. Review status: criteria provided, single submitter. Criteria: Invitae Variant Classification Sherloc (09022015). Collection method: clinical testing. Allele origin: germline.
Comment: This sequence change replaces valine, which is neutral and non-polar, with alanine, which is neutral and non-polar, at codon 781 of the ABCB6 protein (p.Val781Ala). This variant is present in population databases (rs774631222, gnomAD 0.003%). This variant has not been reported in the literature in individuals affected with ABCB6-related conditions. An algorithm developed to predict the effect of missense changes on protein structure and function (PolyPhen-2) suggests that this variant is likely to be disruptive. In summary, the available evidence is currently insufficient to determine the role of this variant in disease. Therefore, it has been classified as a Variant of Uncertain Significance.

NM_005689.4(ABCB6):c.2342T>C (p.Val781Ala)

Gene: ABCB6 (ATP binding cassette subfamily B member 6 (LAN blood group); minus strand). Cytogenetic location: 2q35.
Variant type: single nucleotide variant.
Coding change: c.2342T>C on transcript NM_005689.4 (MANE Select); coding-DNA position 2342, T replaced by C.
Protein change: p.Val781Ala; replaces valine 781 with alanine.
Molecular consequence: missense variant.
Genome position (GRCh38, 1-based): chr2:219,210,390, A>G on the plus strand (T>C on the coding strand, the complement: ABCB6 is on the minus strand). VCF-style: chr2-219210390-A-G. GRCh37 (hg19) VCF-style: chr2-220075112-A-G.
Other names: c.2204T>C, p.Val735Ala (NM_001349828.2); short protein forms V735A, V781A.
Identifiers: ClinVar variation 3615894 (VCV003615894.2).